The following is an entry in ClinVar:

NM_001123385.2(BCOR):c.3378C>T (p.His1126=)

Gene: BCOR (BCL6 corepressor; minus strand). Cytogenetic location: Xp11.4.
Variant type: single nucleotide variant.
Coding change: c.3378C>T on transcript NM_001123385.2 (MANE Select); coding-DNA position 3378, C replaced by T.
Protein change: p.His1126=; no amino-acid change (histidine 1126 retained).
Molecular consequence: synonymous variant.
Genome position (GRCh38, 1-based): chrX:40,064,460, G>A on the plus strand (C>T on the coding strand, the complement: BCOR is on the minus strand). VCF-style: chrX-40064460-G-A. GRCh37 (hg19) VCF-style: chrX-39923713-G-A.
Other names: c.3378C>T, p.His1126= (NM_001123383.2, NM_017745.6); c.3324C>T, p.His1108= (NM_001123384.2).
Identifiers: ClinVar variation 695514 (VCV000695514.34), dbSNP rs137923016, ClinGen allele CA10386646.

ClinVar aggregate classification (germline): Benign/Likely benign. Review status: criteria provided, multiple submitters, no conflicts (2 of 4 stars). 4 submissions from 4 submitters: Benign (1); Likely benign (2). 1 of the submissions does not count toward it. Last evaluated 2025-10-24.

Conditions:
BCOR-related disorder. Also called: BCOR-related condition; BCOR-related disorders.
Oculofaciocardiodental syndrome (MCOPS2). Identifiers: Orphanet 2712, MedGen C1846265, MONDO:0010261, OMIM 300166.

Allele frequency attached by ClinVar (database versions not stated): ExAC 0.00024; gnomAD exomes 0.00025 and 0.00042; TOPMed 0.00026; ESP Exome Variant Server 0.00028; gnomAD 0.00029 and 0.00030.
gnomAD v4.1: 486 of 1,211,291 alleles (0.04%); highest among the groups gnomAD compares: Non-Finnish European, 0.053%; no homozygotes.

Submissions (4):

Labcorp Genetics (formerly Invitae), Labcorp
Classification: Benign for Oculofaciocardiodental syndrome. Last evaluated: 2025-10-24. Review status: criteria provided, single submitter. Criteria: Invitae Variant Classification Sherloc (09022015). Collection method: clinical testing. Allele origin: germline.

Blueprint Genetics
Classification: Likely benign. Last evaluated: 2024-11-15. Review status: criteria provided, single submitter. Criteria: ACMG Guidelines, 2015. Collection method: clinical testing. Allele origin: germline.

CeGaT Center for Human Genetics Tuebingen
Classification: Likely benign. Last evaluated: 2023-04-01. Review status: criteria provided, single submitter. Criteria: CeGaT Center For Human Genetics Tuebingen Variant Classification Criteria Version 2. Collection method: clinical testing. Allele origin: germline. Affected: yes. Observed: 1 variant allele.
Comment: BCOR: BP4, BP7, BS2

PreventionGenetics, part of Exact Sciences
Classification: Likely benign for BCOR-related condition. Last evaluated: 2021-02-03. Review status: no assertion criteria provided. Collection method: clinical testing. Allele origin: germline. Not counted in ClinVar's aggregate classification.
Comment: This variant is classified as likely benign based on ACMG/AMP sequence variant interpretation guidelines (Richards et al. 2015 PMID: 25741868, with internal and published modifications).